The following is an entry in ClinVar:

NM_001385641.1(SAMD11):c.1060G>A (p.Ala354Thr)

Gene: SAMD11 (sterile alpha motif domain containing 11; plus strand). Cytogenetic location: 1p36.33.
Variant type: single nucleotide variant.
Coding change: c.1060G>A on transcript NM_001385641.1 (MANE Select); coding-DNA position 1060, G replaced by A.
Protein change: p.Ala354Thr; replaces alanine 354 with threonine.
Molecular consequence: missense variant.
Genome position (GRCh38, 1-based): chr1:939,277, G>A. VCF-style: chr1-939277-G-A. GRCh37 (hg19) VCF-style: chr1-874657-G-A.
Other names: c.1063G>A, p.Ala355Thr (NM_001385640.1); c.523G>A, p.Ala175Thr (NM_152486.4); short protein forms A175T, A354T, A355T.
Identifiers: ClinVar variation 1379155 (VCV001379155.6), dbSNP rs201258017, ClinGen allele CA502681.

ClinVar aggregate classification (germline): Uncertain significance (1 of 4 stars; one submission).

Allele frequency attached by ClinVar (database versions not stated): gnomAD 0.00001; gnomAD exomes 0.00001 and 0.00002; TOPMed 0.00001; ExAC 0.00002; 1000 Genomes Project 30x 0.00016; 1000 Genomes Project 0.00020.

Submission:

Labcorp Genetics (formerly Invitae), Labcorp
Classification: Uncertain significance. Last evaluated: 2022-06-13. Review status: criteria provided, single submitter. Criteria: Invitae Variant Classification Sherloc (09022015). Collection method: clinical testing. Allele origin: germline.
Comment: In summary, the available evidence is currently insufficient to determine the role of this variant in disease. Therefore, it has been classified as a Variant of Uncertain Significance. Algorithms developed to predict the effect of missense changes on protein structure and function output the following: SIFT: "Tolerated"; PolyPhen-2: "Benign"; Align-GVGD: "Class C0". The threonine amino acid residue is found in multiple mammalian species, which suggests that this missense change does not adversely affect protein function. This variant has not been reported in the literature in individuals affected with SAMD11-related conditions. This variant is present in population databases (rs201258017, gnomAD 0.02%). This sequence change replaces alanine, which is neutral and non-polar, with threonine, which is neutral and polar, at codon 175 of the SAMD11 protein (p.Ala175Thr).